The following is an entry in ClinVar:

NM_017646.6(TRIT1):c.1209CAT[1] (p.Ile405del)

Gene: TRIT1 (tRNA isopentenyltransferase 1; minus strand). Cytogenetic location: 1p34.2.
Variant type: Microsatellite.
Coding change: c.1209CAT[1] on transcript NM_017646.6 (MANE Select); one copy of the 3-base unit CAT starting at c.1209; the reference has two copies in a row; one copy, 3 bases deleted.
Protein change: p.Ile405del; deletes isoleucine 405.
Molecular consequence: inframe deletion. On other transcripts: inframe indel (2).
Genome position (GRCh38, 1-based): chr1:39,844,121-39,844,123, ATG deleted on the plus strand (CAT on the coding strand, the reverse complement: TRIT1 is on the minus strand); deleting any 3 consecutive bases within chr1:39,844,121-39,844,128 gives the same sequence; the position shown is the placement nearest the transcript's 3' end. VCF-style (leftmost placement, unchanged base first): chr1-39844120-AATG-A. GRCh37 (hg19) VCF-style: chr1-40309792-AATG-A.
Other names: c.1129_1131ATC[1], p.Ile379del (NM_001312691.2); c.961_963ATC[1], p.Ile323del (NM_001312692.2); short protein forms I323del, I379del, I405del.
Identifiers: ClinVar variation 1315357 (VCV001315357.2), dbSNP rs2124575120, ClinGen allele CA2580611436.
Genomic context (GRCh38, chr1:39,844,120, plus strand): 5'-CCACCCTTATAGATTTCTTCATGCCCCTCCCCATACTCTACCTGCCCATTCGCGATCCCC[AATG>A]ATGATTCGATCACAGAGGTCACACAGGTGATAACTTCTCTTGTTCTCAGCTTCATTGTAT-3'

ClinVar aggregate classification (germline): Uncertain significance (1 of 4 stars; one submission).

Submission:

GeneDx
Classification: Uncertain significance. Last evaluated: 2020-02-07. Review status: criteria provided, single submitter. Criteria: GeneDx Variant Classification Process June 2021. Collection method: clinical testing. Allele origin: germline. Affected: yes.
Comment: Not observed in large population cohorts (Lek et al., 2016); In-frame deletion of 1 amino acid in a non-repeat region; In silico analysis supports a deleterious effect on protein structure/function; Has not been previously published as pathogenic or benign to our knowledge